The following is an entry in ClinVar:

ClinVar aggregate classification (germline): Conflicting classifications of pathogenicity. Review status: criteria provided, conflicting classifications (1 of 4 stars). 5 submissions from 5 submitters: Pathogenic (2); Likely pathogenic (2); Uncertain significance (1). Last evaluated 2025-07-03.

Conditions:
Cardiovascular phenotype. Identifiers: MedGen CN230736.
Telangiectasia, hereditary hemorrhagic, type 2 (HHT2). Also called: Telangiectasia, hereditary hemorrhagic, type II; ACVRL1-Related Hereditary Hemorrhagic Telangiectasia. Identifiers: Orphanet 774, MedGen C1838163, MONDO:0010880, OMIM 600376. Disease mechanism: loss of function.

Submissions (5):

GeneDx
Classification: Uncertain significance. Last evaluated: 2025-07-03. Review status: criteria provided, single submitter. Criteria: GeneDx Variant Classification Process June 2021. Collection method: clinical testing. Allele origin: germline. Affected: yes.
Comment: Identified in patients with clinical diagnosis or suspected HHT in published literature (PMID: 21158752, 16705692, 16525724); Not observed at significant frequency in large population cohorts (gnomAD); In silico analysis supports that this missense variant has a deleterious effect on protein structure/function; In silico analysis suggests this variant may impact gene splicing. In the absence of RNA/functional studies, the actual effect of this sequence change is unknown.; This variant is associated with the following publications: (PMID: 16525724, 16705692, 21158752)

Labcorp Genetics (formerly Invitae), Labcorp
Classification: Pathogenic for Telangiectasia, hereditary hemorrhagic, type 2. Last evaluated: 2022-11-24. Review status: criteria provided, single submitter. Criteria: Invitae Variant Classification Sherloc (09022015). Collection method: clinical testing. Allele origin: germline.
Comment: Algorithms developed to predict the effect of missense changes on protein structure and function (SIFT, PolyPhen-2, Align-GVGD) all suggest that this variant is likely to be disruptive. ClinVar contains an entry for this variant (Variation ID: 810860). This missense change has been observed in individual(s) with clinical features of ACVRL1-related conditions and/or hereditary hemorrhagic telangiectasia (PMID: 16525724, 16705692, 21158752; Invitae). In at least one individual the variant was observed to be de novo. This variant is not present in population databases (gnomAD no frequency). This sequence change replaces glycine, which is neutral and non-polar, with serine, which is neutral and polar, at codon 416 of the ACVRL1 protein (p.Gly416Ser). This variant also falls at the last nucleotide of exon 8, which is part of the consensus splice site for this exon. Variants that disrupt the consensus splice site are a relatively common cause of aberrant splicing (PMID: 17576681, 9536098). Algorithms developed to predict the effect of sequence changes on RNA splicing suggest that this variant may create or strengthen a splice site. For these reasons, this variant has been classified as Pathogenic.

Mayo Clinic Laboratories, Mayo Clinic
Classification: Likely pathogenic. Last evaluated: 2021-11-19. Review status: criteria provided, single submitter. Criteria: ACMG Guidelines, 2015. Collection method: clinical testing. Allele origin: germline.
Comment: PP1, PP3, PP4, PP5, PM2_supporting, PS4_moderate

ARUP Laboratories, Molecular Genetics and Genomics, ARUP Laboratories
Classification: Pathogenic for Telangiectasia, hereditary hemorrhagic, type 2. Last evaluated: 2018-08-08. Review status: criteria provided, single submitter. Criteria: ARUP Molecular Germline Variant Investigation Process. Collection method: clinical testing. Allele origin: germline.
Comment: The ACVRL1 c.1246G>A; p.Gly416Ser variant is reported in the literature in individuals with HHT and has been reported to co-segregate with disease (Argyriou 2006, Lesca 2006, McDonald 2011). This variant is absent from general population databases (1000 Genomes Project, Exome Variant Server, and Genome Aggregation Database), indicating it is not a common polymorphism. The glycine at codon 416 is highly conserved and computational analyses (SIFT, PolyPhen-2) predict this variant to be deleterious. Additionally, this variant occurs in the last nucleotide of the exon and is predicted to impact splicing by significantly weakening the nearby canonical donor splice site (Alamut v.2.11). Based on available information, this variant is considered to be pathogenic. REFERENCES Argyriou L et al. Novel mutations in the ENG and ACVRL1 genes causing hereditary hemorrhagic teleangiectasia. Int J Mol Med. 2006 Apr;17(4):655-9. Lesca G et al. Distribution of ENG and ACVRL1 (ALK1) mutations in French HHT patients. Hum Mutat. 2006 Jun;27(6):598. McDonald J et al. Molecular diagnosis in hereditary hemorrhagic telangiectasia: findings in a series tested simultaneously by sequencing and deletion/duplication analysis. Clin Genet. 2011 Apr;79(4):335-44.

Ambry Genetics
Classification: Likely pathogenic for Cardiovascular phenotype. Last evaluated: 2014-09-25. Review status: criteria provided, single submitter. Criteria: Ambry Variant Classification Scheme 2023. Collection method: clinical testing. Allele origin: germline.
Comment: The p.G416S variant (also known as c.1246G>A) located in coding exon 7 of the ACVRL1 gene. This variant results from a G to A substitution at nucleotide position 1246. The amino acid change results in glycine to serine at codon 416, an amino acid with similar properties. In addition, this change occurs in the last base pair of exon 8 which makes it likely to have some effect on normal mRNA splicing. This alteration was detected in an individual reported with hepatic and pulmonary atrioventricular malformations and family history of hereditary hemorrhagic telangiectasia (Argyriou L et al. Int. J. Mol. Med. 2006; 17:655-9). A further study reported this mutation was found in 2 individuals in the same family who were both affected with HHT (Lesca G et al. Hum. Mutat. 2006; 27:598). This variant was further detected in an individual presenting with epistaxis and telangiectasias (McDonald J et al. Clin. Genet. 2011; 79:335-44). This variant was not reported in population based cohorts in the following databases: Database of Single Nucleotide Polymorphisms (dbSNP), NHLBI Exome Sequencing Project (ESP), and 1000 Genomes Project. This amino acid position is conserved on sequence alignment. Based on two different splice site prediction tools, this alteration is expected to be deleterious to the native splice donor site; however, direct evidence is unavailable. In addition, this alteration is predicted to be deleterious by in silico analysis. Based on the majority of available evidence to date, this variant is likely to be pathogenic.

Literature cited by the submitters: PubMed 16525724 (cited by 3 submitters); PubMed 16705692 (cited by 3 submitters); PubMed 21158752 (cited by 3 submitters); PubMed 17576681 (cited by Labcorp Genetics (formerly Invitae), Labcorp); PubMed 9536098 (cited by Labcorp Genetics (formerly Invitae), Labcorp).

NM_000020.3(ACVRL1):c.1246G>A (p.Gly416Ser)

Gene: ACVRL1 (activin A receptor like type 1; plus strand). Cytogenetic location: 12q13.13.
Variant type: single nucleotide variant.
Coding change: c.1246G>A on transcript NM_000020.3 (MANE Select); coding-DNA position 1246, G replaced by A.
Protein change: p.Gly416Ser; replaces glycine 416 with serine.
Molecular consequence: missense variant.
Genome position (GRCh38, 1-based): chr12:51,916,233, G>A. VCF-style: chr12-51916233-G-A. GRCh37 (hg19) VCF-style: chr12-52310017-G-A.
Other names: p.Gly416Ser; c.1246G>A, p.Gly416Ser (NM_001077401.2); short protein forms G416S.
Identifiers: ClinVar variation 810860 (VCV000810860.19), dbSNP rs1592225112, ClinGen allele CA384903083.